The following is an entry in ClinVar:

NM_002968.3(SALL1):c.874C>T (p.Gln292Ter)

Gene: SALL1 (spalt like transcription factor 1; minus strand). Cytogenetic location: 16q12.1.
Variant type: single nucleotide variant.
Coding change: c.874C>T on transcript NM_002968.3 (MANE Select); coding-DNA position 874, C replaced by T.
Protein change: p.Gln292Ter; replaces glutamine 292 with a stop codon.
Molecular consequence: nonsense.
Genome position (GRCh38, 1-based): chr16:51,141,348, G>A on the plus strand (C>T on the coding strand, the complement: SALL1 is on the minus strand). VCF-style: chr16-51141348-G-A. GRCh37 (hg19) VCF-style: chr16-51175259-G-A.
Other names: c.583C>T, p.Gln195Ter (NM_001127892.2); short protein forms Q195*, Q292*.
Identifiers: ClinVar variation 2137807 (VCV002137807.6), dbSNP rs2506494808, ClinGen allele CA395890520.
Genomic context (GRCh38, chr16:51,141,348, plus strand): 5'-CACTAATGCTGGCAGATTGGCTGGCGAGGCTCTGTGCCAATCCAGCTGCTGCTGCCAGCT[G>A]CTGAGATAAATGGGAACTTAGCGTGGACAAGGGGTTGGCAGATGTTCGTAAAGTACCTTG-3'

ClinVar aggregate classification (germline): Pathogenic. Review status: criteria provided, single submitter (1 of 4 stars). 2 submissions from 2 submitters: Pathogenic (1). 1 of the submissions does not count toward it. Last evaluated 2022-11-30.

Conditions:
Townes syndrome (TBS). Also called: Townes-Brocks syndrome. Identifiers: Orphanet 857, MedGen C0265246, MeSH C536974, MONDO:0007142.
SALL1-related disorder. Also called: SALL1-related condition.

Submissions (2):

Labcorp Genetics (formerly Invitae), Labcorp
Classification: Pathogenic for Townes syndrome. Last evaluated: 2022-11-30. Review status: criteria provided, single submitter. Criteria: Invitae Variant Classification Sherloc (09022015). Collection method: clinical testing. Allele origin: germline.
Comment: This sequence change creates a premature translational stop signal (p.Gln292*) in the SALL1 gene. It is expected to result in an absent or disrupted protein product. Loss-of-function variants in SALL1 are known to be pathogenic (PMID: 9973281, 12915476, 16088922, 23069192). For these reasons, this variant has been classified as Pathogenic. This premature translational stop signal has been observed in individual(s) with clinical features of SALL1-related conditions (PMID: 27073431). This variant is not present in population databases (gnomAD no frequency).

PreventionGenetics, part of Exact Sciences
Classification: Pathogenic for SALL1-related condition. Last evaluated: 2024-02-22. Review status: no assertion criteria provided. Collection method: clinical testing. Allele origin: germline. Not counted in ClinVar's aggregate classification.
Comment: The SALL1 c.874C>T variant is predicted to result in premature protein termination (p.Gln292*). This variant was reported in an individual with Townes-Brocks syndrome (Lin et al. 2016. PubMed ID: 27073431). This variant has not been reported in a large population database, indicating this variant is rare. Nonsense variants in SALL1 are expected to be pathogenic. This variant is interpreted as pathogenic.

Literature cited by the submitters: PubMed 9973281 (cited by Labcorp Genetics (formerly Invitae), Labcorp); PubMed 12915476 (cited by Labcorp Genetics (formerly Invitae), Labcorp); PubMed 16088922 (cited by Labcorp Genetics (formerly Invitae), Labcorp); PubMed 23069192 (cited by Labcorp Genetics (formerly Invitae), Labcorp); PubMed 27073431 (cited by Labcorp Genetics (formerly Invitae), Labcorp).